The following is an entry in ClinVar:

ClinVar aggregate classification (germline): Likely benign. Review status: criteria provided, multiple submitters, no conflicts (2 of 4 stars). 3 submissions from 3 submitters: Likely benign (2). 1 of the submissions does not count toward it. Last evaluated 2022-10-25.

Conditions:
Cerebral palsy, spastic quadriplegic, 2 (CPSQ2). Identifiers: Orphanet 210141, MedGen C2752061, MONDO:0013033, OMIM 612900.
KANK1-related disorder. Also called: KANK1-related condition.

Allele frequency attached by ClinVar (database versions not stated): ExAC 0.00002; gnomAD exomes 0.00002 and 0.00003; ESP Exome Variant Server 0.00008; gnomAD 0.00021 and 0.00024; TOPMed 0.00022.
gnomAD v4.1: 59 of 1,613,492 alleles (0.0037%); highest among the groups gnomAD compares: African/African-American, 0.057%; 1 homozygote.

Submissions (3):

Labcorp Genetics (formerly Invitae), Labcorp
Classification: Likely benign. Last evaluated: 2022-10-25. Review status: criteria provided, single submitter. Criteria: Invitae Variant Classification Sherloc (09022015). Collection method: clinical testing. Allele origin: germline.

Fulgent Genetics
Classification: Likely benign for Cerebral palsy, spastic quadriplegic, 2. Last evaluated: 2022-05-19. Review status: criteria provided, single submitter. Criteria: ACMG Guidelines, 2015. Collection method: clinical testing. Allele origin: unknown.

PreventionGenetics, part of Exact Sciences
Classification: Likely benign for KANK1-related condition. Last evaluated: 2019-10-11. Review status: no assertion criteria provided. Collection method: clinical testing. Allele origin: germline. Not counted in ClinVar's aggregate classification.
Comment: This variant is classified as likely benign based on ACMG/AMP sequence variant interpretation guidelines (Richards et al. 2015 PMID: 25741868, with internal and published modifications).

NM_015158.5(KANK1):c.3696+8C>T

Gene: KANK1 (KN motif and ankyrin repeat domains 1; plus strand). Cytogenetic location: 9p24.3.
Variant type: single nucleotide variant.
Coding change: c.3696+8C>T on transcript NM_015158.5 (MANE Select); 8 bases into the intron after coding-DNA position 3696, C replaced by T.
Molecular consequence: intron variant.
Genome position (GRCh38, 1-based): chr9:740,942, C>T. VCF-style: chr9-740942-C-T. GRCh37 (hg19) VCF-style: chr9-740942-C-T.
Other names: c.3696+8C>T (NM_001256876.3, NM_001354334.2, NM_001256877.3 and 1 more transcripts); c.3222+8C>T (NM_001354333.2, NM_001354335.2, NM_001354337.2 and 2 more transcripts); c.3456+8C>T (NM_001354331.2); c.3642+8C>T (NM_001354332.2); c.2928+8C>T (NM_001354336.2); c.2982+8C>T (NM_001354339.2, NM_001354343.2, NM_001354342.2); c.3168+8C>T (NM_001354338.2, NM_001354340.2, NM_001354344.2).
Identifiers: ClinVar variation 1538222 (VCV001538222.11), dbSNP rs373324342, ClinGen allele CA4961101.
Genomic context (GRCh38, chr9:740,942, plus strand): 5'-GGATTGTGGAAGAACTCTTCGGCTGTGGGGATGTGAATGCCAAAGCTAGTCAGGTTAGTG[C>T]GCCTGGTTCCTGTGCTCAGGAATGCACCCGTAACCAGCAGACAGGACTGCGGTGGCCATT-3'